The following is an entry in ClinVar:

NM_015330.6(SPECC1L):c.2315G>C (p.Gly772Ala)

Genes: SPECC1L (sperm antigen with calponin homology and coiled-coil domains 1 like; plus strand), SPECC1L-ADORA2A (SPECC1L-ADORA2A readthrough (NMD candidate); plus strand). Cytogenetic location: 22q11.23.
Variant type: single nucleotide variant.
Coding change: c.2315G>C on transcript NM_015330.6 (MANE Select); coding-DNA position 2315, G replaced by C.
Protein change: p.Gly772Ala; replaces glycine 772 with alanine.
Molecular consequence: missense variant. On other transcripts: non-coding transcript variant (1).
Genome position (GRCh38, 1-based): chr22:24,330,350, G>C. VCF-style: chr22-24330350-G-C. GRCh37 (hg19) VCF-style: chr22-24726318-G-C.
Other names: c.2315G>C, p.Gly772Ala (NM_001145468.4, NM_001254732.3); short protein forms G772A.
Identifiers: ClinVar variation 4999040 (VCV004999040.1).

ClinVar aggregate classification (germline): Uncertain significance (1 of 4 stars; one submission).

Conditions:
SPECC1L-related disorder. Also called: SPECC1L-related condition.

gnomAD v4.1: 1 of 1,614,138 alleles (0.000062%); highest among the groups gnomAD compares: Non-Finnish European, 0.000085%; no homozygotes.

Submission:

PreventionGenetics, part of Exact Sciences
Classification: Uncertain significance for SPECC1L-related condition. Last evaluated: 2024-12-12. Review status: criteria provided, single submitter. Criteria: ACMG Guidelines, 2015. Collection method: clinical testing. Allele origin: germline.
Comment: The SPECC1L c.2315G>C variant is predicted to result in the amino acid substitution p.Gly772Ala. To our knowledge, this variant has not been reported in the literature or in a large population database (gnomAD), indicating this variant is rare. At this time, the clinical significance of this variant is uncertain due to the absence of conclusive functional and genetic evidence.